The following is an entry in ClinVar:

NM_003001.3(SDHC):c.*2111C>T

Gene: SDHC (succinate dehydrogenase complex subunit C; plus strand). Cytogenetic location: 1q23.3.
Variant type: single nucleotide variant.
Coding change: c.*2111C>T on transcript NM_003001.3; 2111 bases downstream of the stop codon, C replaced by T.
Genome position (GRCh38, 1-based): chr1:161,364,544, C>T. VCF-style: chr1-161364544-C-T. GRCh37 (hg19) VCF-style: chr1-161334334-C-T.
Identifiers: ClinVar variation 293364 (VCV000293364.7), dbSNP rs115166758, ClinGen allele CA10608203.
Genomic context (GRCh38, chr1:161,364,544, plus strand): 5'-TCCATGCTCAGGATAAAAAATGAGTGGGTAGGGTTGAGGGACTGGTTCTTTGAGGTTCTG[C>T]CCTTTTTCCATGATTCAGACCAACTTTCTCTTGGTCATTTCTGGAGTATAACTGACTCAA-3'

ClinVar aggregate classification (germline): Benign (1 of 4 stars; one submission).

Conditions:
Hereditary pheochromocytoma and paraganglioma. Also called: Hereditary Paraganglioma-Pheochromocytoma Syndromes; Hereditary paragangliomas and pheochromocytomas; Hereditary pheochromocytoma-paraganglioma. Identifiers: Orphanet 29072, MedGen C4274332, MONDO:0017366.

Allele frequency attached by ClinVar (database versions not stated): gnomAD exomes 0.00469; gnomAD 0.01997 and 0.02148; 1000 Genomes Project 0.01777; 1000 Genomes Project 30x 0.01874; TOPMed 0.02274.

Submission:

Illumina Laboratory Services, Illumina
Classification: Benign for Hereditary Paraganglioma-Pheochromocytoma Syndromes. Last evaluated: 2018-01-12. Review status: criteria provided, single submitter. Criteria: ICSL Variant Classification Criteria 13 December 2019. Collection method: clinical testing. Allele origin: germline.
Comment: This variant was observed in the ICSL laboratory as part of a predisposition screen in an ostensibly healthy population. It had not been previously curated by ICSL or reported in the Human Gene Mutation Database (HGMD: prior to June 1st, 2018), and was therefore a candidate for classification through an automated scoring system. Utilizing variant allele frequency, disease prevalence and penetrance estimates, and inheritance mode, an automated score was calculated to assess if this variant is too frequent to cause the disease. Based on the score and internal cut-off values, a variant classified as benign is not then subjected to further curation. The score for this variant resulted in a classification of benign for this disease.